The following is an entry in ClinVar:

NM_001277115.2(DNAH11):c.9685C>T (p.Arg3229Trp)

Gene: DNAH11 (dynein axonemal heavy chain 11; plus strand). Cytogenetic location: 7p15.3.
Variant type: single nucleotide variant.
Coding change: c.9685C>T on transcript NM_001277115.2 (MANE Select); coding-DNA position 9685, C replaced by T.
Protein change: p.Arg3229Trp; replaces arginine 3229 with tryptophan.
Molecular consequence: missense variant.
Genome position (GRCh38, 1-based): chr7:21,786,711, C>T. VCF-style: chr7-21786711-C-T. GRCh37 (hg19) VCF-style: chr7-21826329-C-T.
Other names: NM_001277115.2(DNAH11):c.9685C>T; p.Arg3229Trp; short protein forms R3229W.
Identifiers: ClinVar variation 812690 (VCV000812690.3), dbSNP rs886536075, ClinGen allele CA155089639.
Genomic context (GRCh38, chr7:21,786,711, plus strand): 5'-CCCAACCCTCCCATCGCAGTTACCAATGTTACTGCAGCCGTGATGGTCCTTCTGGCTCCT[C>T]GGGGAAGAGTGCCCAAAGACCGAAGTTGGAAAGCAGCTAAAGTCTTCATGGGAAAGGTAT-3'
Protein context (NP_001264044.1, residues 3219-3239): TAAVMVLLAP[Arg3229Trp]GRVPKDRSWK

ClinVar aggregate classification (germline): Uncertain significance. Review status: criteria provided, multiple submitters, no conflicts (2 of 4 stars). 3 submissions from 3 submitters: Uncertain significance (2). 1 of the submissions does not count toward it. Last evaluated 2025-05-03.

Conditions:
Primary ciliary dyskinesia. Also called: Ciliary dyskinesia. Identifiers: Orphanet 244, MedGen C0008780, MONDO:0016575, HP:0012265.
Primary ciliary dyskinesia 7. Also called: CILIARY DYSKINESIA, PRIMARY, 7, WITH OR WITHOUT SITUS INVERSUS. Identifiers: Orphanet 244, MedGen C2678473, MONDO:0012748, OMIM 611884.

Allele frequency attached by ClinVar (database versions not stated): gnomAD exomes below 0.00001; TOPMed 0.00001.
gnomAD v4.1: 3 of 1,613,686 alleles (0.00019%); highest among the groups gnomAD compares: African/African-American, 0.0027%; no homozygotes.

Submissions (3):

Ambry Genetics
Classification: Uncertain significance for Primary ciliary dyskinesia. Last evaluated: 2025-05-03. Review status: criteria provided, single submitter. Criteria: Ambry Variant Classification Scheme 2023. Collection method: clinical testing. Allele origin: germline.
Comment: The p.R3229W variant (also known as c.9685C>T), located in coding exon 59 of the DNAH11 gene, results from a C to T substitution at nucleotide position 9685. The arginine at codon 3229 is replaced by tryptophan, an amino acid with dissimilar properties. This amino acid position is not well conserved in available vertebrate species. In addition, this alteration is predicted to be tolerated by in silico analysis. Based on the available evidence, the clinical significance of this variant remains unclear.

Broad Center for Mendelian Genomics, Broad Institute of MIT and Harvard
Classification: Uncertain significance for Primary ciliary dyskinesia 7. Last evaluated: 2025-02-19. Review status: criteria provided, single submitter. Criteria: ACMG Guidelines, 2015. Collection method: curation. Allele origin: germline. Inheritance: Autosomal recessive inheritance.
Comment: The p.Arg3229Trp variant in DNAH11 has not been previously reported in the literature in individuals with primary ciliary dyskinesia, but has been identified in 0.003% (2/74892) of African/African American chromosomes by the Genome Aggregation Database (gnomAD; dbSNP ID: rs886536075). Although this variant has been seen in the general population in a heterozygous state, its frequency is low enough to be consistent with a recessive carrier frequency. This variant has also been reported in ClinVar (Variation ID: 812690) and has been interpreted as likely pathogenic by Department Of Translational Genomics (developmental Genetics Section, King Faisal Specialist Hospital & Research Centre). Computational prediction tools and conservation analyses do not provide strong support for or against an impact to the protein. In summary, the clinical significance of the p.Arg3229Trp variant is uncertain. ACMG/AMP Criteria applied: PM2_supporting.

Genomic Medicine Center of Excellence, King Faisal Specialist Hospital and Research Centre
Classification: Pathogenic for Primary ciliary dyskinesia 7. Last evaluated: 2020-01-27. Review status: no assertion criteria provided. Collection method: research. Allele origin: germline. Affected: yes. Not counted in ClinVar's aggregate classification.